The following is an entry in ClinVar:

ClinVar aggregate classification (germline): Uncertain significance (1 of 4 stars; one submission).

Allele frequency attached by ClinVar (database versions not stated): gnomAD 0.00001; gnomAD exomes below 0.00001; TOPMed below 0.00001.
gnomAD v4.1: 6 of 1,613,578 alleles (0.00037%); highest among the groups gnomAD compares: Admixed American, 0.005%; no homozygotes.

Submission:

Labcorp Genetics (formerly Invitae), Labcorp
Classification: Uncertain significance. Last evaluated: 2022-11-08. Review status: criteria provided, single submitter. Criteria: Invitae Variant Classification Sherloc (09022015). Collection method: clinical testing. Allele origin: germline.
Comment: This variant has not been reported in the literature in individuals affected with CNGB1-related conditions. This variant is present in population databases (no rsID available, gnomAD 0.003%). This sequence change replaces histidine, which is basic and polar, with arginine, which is basic and polar, at codon 1221 of the CNGB1 protein (p.His1221Arg). Advanced modeling of protein sequence and biophysical properties (such as structural, functional, and spatial information, amino acid conservation, physicochemical variation, residue mobility, and thermodynamic stability) performed at Invitae indicates that this missense variant is not expected to disrupt CNGB1 protein function. In summary, the available evidence is currently insufficient to determine the role of this variant in disease. Therefore, it has been classified as a Variant of Uncertain Significance.

NM_001297.5(CNGB1):c.3662A>G (p.His1221Arg)

Gene: CNGB1 (cyclic nucleotide gated channel subunit beta 1; minus strand). Cytogenetic location: 16q21.
Variant type: single nucleotide variant.
Coding change: c.3662A>G on transcript NM_001297.5 (MANE Select); coding-DNA position 3662, A replaced by G.
Protein change: p.His1221Arg; replaces histidine 1221 with arginine.
Molecular consequence: missense variant.
Genome position (GRCh38, 1-based): chr16:57,884,258, T>C on the plus strand (A>G on the coding strand, the complement: CNGB1 is on the minus strand). VCF-style: chr16-57884258-T-C. GRCh37 (hg19) VCF-style: chr16-57918162-T-C.
Other names: c.3644A>G, p.His1215Arg (NM_001286130.2); short protein forms H1215R, H1221R.
Identifiers: ClinVar variation 2048324 (VCV002048324.4), dbSNP rs1237045478, ClinGen allele CA396059385.